The following is an entry in ClinVar:

NM_000287.4(PEX6):c.2183C>T (p.Pro728Leu)

Gene: PEX6 (peroxisomal biogenesis factor 6; minus strand). Cytogenetic location: 6p21.1.
Variant type: single nucleotide variant.
Coding change: c.2183C>T on transcript NM_000287.4 (MANE Select); coding-DNA position 2183, C replaced by T.
Protein change: p.Pro728Leu; replaces proline 728 with leucine.
Molecular consequence: missense variant.
Genome position (GRCh38, 1-based): chr6:42,966,359, G>A on the plus strand (C>T on the coding strand, the complement: PEX6 is on the minus strand). VCF-style: chr6-42966359-G-A. GRCh37 (hg19) VCF-style: chr6-42934097-G-A.
Other names: c.1919C>T, p.Pro640Leu (NM_001316313.2); short protein forms P728L, P640L.
Identifiers: ClinVar variation 193806 (VCV000193806.25), dbSNP rs142899308, ClinGen allele CA239465.
Genomic context (GRCh38, chr6:42,966,359, plus strand): 5'-GTGCCAGGGGGCCCATGGAGCAGAAGGCCTGAGCGTCTCAGGCCCAGGCTCAGTAGCTCA[G>A]GGTGCTCCAGGGGGAGCTGAATGGTCTCCAGGATCTCCTTCTTCACCTCCTGCAGCCCAC-3'
Protein context (NP_000278.3, residues 718-738): LETIQLPLEH[Pro728Leu]ELLSLGLRRS

ClinVar aggregate classification (germline): Conflicting classifications of pathogenicity. Review status: criteria provided, conflicting classifications (1 of 4 stars). 8 submissions from 8 submitters: Uncertain significance (3); Benign (2); Likely benign (1). 2 of the submissions do not count toward it. Last evaluated 2026-02-04.

Conditions:
Zellweger spectrum disorders (ZS). Also called: Zellweger syndrome; Zellweger Spectrum Disorder (ZSD); Zellweger Spectrum Disorder; Zellweger Spectrum. Identifiers: Orphanet 912, MedGen C0043459, MONDO:0019609.
Heimler syndrome 2 (HMLR2). Also called: PEROXISOME BIOGENESIS DISORDER 4C. Identifiers: Orphanet 3220, MedGen C4225267, OMIM 616617, MONDO:0014709.
Peroxisome biogenesis disorder 4A (Zellweger) (PBD4A). Also called: Zellweger syndrome spectrum (PEX6-related). Identifiers: Orphanet 912, MedGen C3553936, MONDO:0013930, OMIM 614862. Disease mechanism: loss of function.
Peroxisome biogenesis disorder 4B (PBD4B). Also called: SPINOCEREBELLAR ATAXIA WITH BLINDNESS AND DEAFNESS 1. Identifiers: Orphanet 44, Orphanet 95433, MedGen C3553937, MONDO:0013931, OMIM 614863.
PEX6-related disorder. Also called: PEX6-related condition; PEX6-related disorders.
Inborn genetic diseases. Identifiers: MedGen C0950123, MeSH D030342.
Peroxisome biogenesis disorder. Identifiers: Orphanet 79189, MedGen C1832200, MONDO:0019234. Disease mechanism: loss of function.

Allele frequency attached by ClinVar (database versions not stated): gnomAD exomes 0.00014 and 0.00031; gnomAD 0.00015 and 0.00016; TOPMed 0.00018; ESP Exome Variant Server 0.00023; ExAC 0.00024.
gnomAD v4.1: 237 of 1,613,852 alleles (0.015%); highest among the groups gnomAD compares: Non-Finnish European, 0.0019%; no homozygotes.

Submissions (8):

Labcorp Genetics (formerly Invitae), Labcorp
Classification: Benign for Peroxisome biogenesis disorder. Last evaluated: 2026-02-04. Review status: criteria provided, single submitter. Criteria: Invitae Variant Classification Sherloc (09022015). Collection method: clinical testing. Allele origin: germline.

Blueprint Genetics
Classification: Benign. Last evaluated: 2024-09-30. Review status: criteria provided, single submitter. Criteria: ACMG Guidelines, 2015. Collection method: clinical testing. Allele origin: germline.

Ambry Genetics
Classification: Likely benign for Inborn genetic diseases. Last evaluated: 2022-05-09. Review status: criteria provided, single submitter. Criteria: Ambry Variant Classification Scheme 2023. Collection method: clinical testing. Allele origin: germline.

Department of Pathology and Laboratory Medicine, Sinai Health System
Classification: Uncertain significance for Peroxisome biogenesis disorder 4A (Zellweger); Peroxisome biogenesis disorder 4B; Heimler syndrome 2. Last evaluated: 2021-07-30. Review status: criteria provided, single submitter. Criteria: ACMG Guidelines, 2015. Collection method: research. Allele origin: germline.

Eurofins Ntd Llc (ga)
Classification: Uncertain significance. Last evaluated: 2018-07-25. Review status: criteria provided, single submitter. Criteria: EGL ClinVar v180209 classification definitions. Collection method: clinical testing. Allele origin: germline. Observed: 3 variant alleles, 3 heterozygotes.

Illumina Laboratory Services, Illumina
Classification: Uncertain significance for Peroxisome biogenesis disorder 4A (Zellweger). Last evaluated: 2018-01-13. Review status: criteria provided, single submitter. Criteria: ICSL Variant Classification Criteria 13 December 2019. Collection method: clinical testing. Allele origin: germline.

Natera, Inc.
Classification: Likely benign for Zellweger syndrome. Last evaluated: 2020-01-12. Review status: no assertion criteria provided. Collection method: clinical testing. Allele origin: germline. Not counted in ClinVar's aggregate classification.

PreventionGenetics, part of Exact Sciences
Classification: Benign for PEX6-related condition. Last evaluated: 2019-11-01. Review status: no assertion criteria provided. Collection method: clinical testing. Allele origin: germline. Not counted in ClinVar's aggregate classification.
Comment: This variant is classified as benign based on ACMG/AMP sequence variant interpretation guidelines (Richards et al. 2015 PMID: 25741868, with internal and published modifications).